The following is an entry in ClinVar:

ClinVar aggregate classification (germline): Conflicting classifications of pathogenicity. Review status: criteria provided, conflicting classifications (1 of 4 stars). 5 submissions from 5 submitters: Uncertain significance (3); Likely benign (1). 1 of the submissions does not count toward it. Last evaluated 2026-06-18.

Conditions:
ATP6AP1-related disorder. Also called: ATP6AP1-related disorders; ATP6AP1-related condition.

Submissions (5):

Women's Health and Genetics/Laboratory Corporation of America, LabCorp
Classification: Uncertain significance. Last evaluated: 2026-06-18. Review status: criteria provided, single submitter. Criteria: LabCorp Variant Classification Summary - May 2015. Collection method: clinical testing. Allele origin: germline.
Comment: Variant summary: ATP6AP1 c.114_116delGGC (p.Ala41del) results in an in-frame deletion that is predicted to remove one amino acid from the encoded protein. The variant allele was found at a frequency of 0.00014 in 21521 control chromosomes. The available data on variant occurrences in the general population are insufficient to allow any conclusion about variant significance. To our knowledge, no occurrence of c.114_116delGGC in individuals affected with ATP6AP1-related conditions and no experimental evidence demonstrating its impact on protein function have been reported. ClinVar contains an entry for this variant (Variation ID: 1418908). Based on the evidence outlined above, the variant was classified as uncertain significance.

Labcorp Genetics (formerly Invitae), Labcorp
Classification: Uncertain significance. Last evaluated: 2026-01-24. Review status: criteria provided, single submitter. Criteria: Invitae Variant Classification Sherloc (09022015). Collection method: clinical testing. Allele origin: germline.
Comment: This variant, c.114_116del, results in the deletion of 1 amino acid(s) of the ATP6AP1 protein (p.Ala41del), but otherwise preserves the integrity of the reading frame. The frequency data for this variant in the population databases is considered unreliable, as metrics indicate poor data quality at this position in the gnomAD database. This variant has not been reported in the literature in individuals affected with ATP6AP1-related conditions. Experimental studies and prediction algorithms are not available or were not evaluated, and the functional significance of this variant is currently unknown. In summary, the available evidence is currently insufficient to determine the role of this variant in disease. Therefore, it has been classified as a Variant of Uncertain Significance.

Blueprint Genetics
Classification: Likely benign. Last evaluated: 2024-11-28. Review status: criteria provided, single submitter. Criteria: ACMG Guidelines, 2015. Collection method: clinical testing. Allele origin: germline.

CeGaT Center for Human Genetics Tuebingen
Classification: Uncertain significance. Last evaluated: 2022-07-01. Review status: criteria provided, single submitter. Criteria: CeGaT Center For Human Genetics Tuebingen Variant Classification Criteria Version 2. Collection method: clinical testing. Allele origin: germline. Affected: yes. Observed: 1 variant allele.

PreventionGenetics, part of Exact Sciences
Classification: Likely benign for ATP6AP1-related condition. Last evaluated: 2019-05-02. Review status: no assertion criteria provided. Collection method: clinical testing. Allele origin: germline. Not counted in ClinVar's aggregate classification.
Comment: This variant is classified as likely benign based on ACMG/AMP sequence variant interpretation guidelines (Richards et al. 2015 PMID: 25741868, with internal and published modifications).

NM_001183.6(ATP6AP1):c.96GGC[6] (p.Ala41del)

Gene: ATP6AP1 (ATPase H+ transporting accessory protein 1; plus strand). Cytogenetic location: Xq28.
Variant type: Microsatellite.
Coding change: c.96GGC[6] on transcript NM_001183.6 (MANE Select); six copies in a row of the 3-base unit GGC starting at c.96; the reference has seven copies in a row; one copy, 3 bases deleted.
Protein change: p.Ala41del; deletes alanine 41.
Molecular consequence: inframe deletion.
Genome position (GRCh38, 1-based): chrX:154,428,806-154,428,808, GGC deleted; deleting any 3 consecutive bases within chrX:154,428,788-154,428,808 gives the same sequence; the position shown is the placement nearest the transcript's 3' end. VCF-style (leftmost placement, unchanged base first): chrX-154428787-TGGC-T. GRCh37 (hg19) VCF-style: chrX-153657133-TGGC-T.
Other names: c.114_116delGGC (NM_001183.6); short protein forms A41del.
Identifiers: ClinVar variation 1418908 (VCV001418908.32), dbSNP rs781797236, ClinGen allele CA10562503.